The following is an entry in ClinVar:

ClinVar aggregate classification (germline): Uncertain significance (1 of 4 stars; one submission).

Allele frequency attached by ClinVar (database versions not stated): gnomAD exomes below 0.00001.
gnomAD v4.1: 7 of 1,614,028 alleles (0.00043%); highest among the groups gnomAD compares: East Asian, 0.0022%; no homozygotes.

Submission:

Labcorp Genetics (formerly Invitae), Labcorp
Classification: Uncertain significance. Last evaluated: 2022-07-29. Review status: criteria provided, single submitter. Criteria: Invitae Variant Classification Sherloc (09022015). Collection method: clinical testing. Allele origin: germline.
Comment: In summary, the available evidence is currently insufficient to determine the role of this variant in disease. Therefore, it has been classified as a Variant of Uncertain Significance. Algorithms developed to predict the effect of missense changes on protein structure and function are either unavailable or do not agree on the potential impact of this missense change (SIFT: "Not Available"; PolyPhen-2: "Probably Damaging"; Align-GVGD: "Not Available"). This sequence change replaces arginine, which is basic and polar, with tryptophan, which is neutral and slightly polar, at codon 651 of the ADAMTS18 protein (p.Arg651Trp). This variant is present in population databases (no rsID available, gnomAD 0.01%). This variant has not been reported in the literature in individuals affected with ADAMTS18-related conditions.

NM_199355.4(ADAMTS18):c.1951C>T (p.Arg651Trp)

Gene: ADAMTS18 (ADAM metallopeptidase with thrombospondin type 1 motif 18; minus strand). Cytogenetic location: 16q23.1.
Variant type: single nucleotide variant.
Coding change: c.1951C>T on transcript NM_199355.4 (MANE Select); coding-DNA position 1951, C replaced by T.
Protein change: p.Arg651Trp; replaces arginine 651 with tryptophan.
Molecular consequence: missense variant.
Genome position (GRCh38, 1-based): chr16:77,325,947, G>A on the plus strand (C>T on the coding strand, the complement: ADAMTS18 is on the minus strand). VCF-style: chr16-77325947-G-A. GRCh37 (hg19) VCF-style: chr16-77359844-G-A.
Other names: c.1435C>T, p.Arg479Trp (NM_001326358.2); short protein forms R651W, R479W.
Identifiers: ClinVar variation 2071487 (VCV002071487.4), dbSNP rs867875220, ClinGen allele CA284395661.